The following is an entry in ClinVar:

ClinVar aggregate classification (germline): Uncertain significance (1 of 4 stars; one submission).

Conditions:
Fabry disease. Also called: ALPHA-GALACTOSIDASE A DEFICIENCY; ANDERSON-FABRY DISEASE; CERAMIDE TRIHEXOSIDASE DEFICIENCY; GLA DEFICIENCY; HEREDITARY DYSTOPIC LIPIDOSIS; Angiokeratoma corporis diffusum. Identifiers: Orphanet 324, MedGen C0002986, MONDO:0010526, OMIM 301500, HP:0001071. Disease mechanism: Fabry disease is due to inactivating mutations in the X-linked GLA gene resulting in deficiency of the enzyme Alpha Galactosidase-A., loss of function.

Submission:

Genomenon, Inc
Classification: Uncertain significance for Fabry disease. Last evaluated: 2026-09-08. Review status: criteria provided, single submitter. Criteria: Genomenon Sequence Variant Interpretation Standards - Updated. Collection method: curation. Allele origin: germline. Affected: no.
Comment: GLA c.548-12T>C is an intronic variant located in the acceptor splice region of intron 3. This variant has been reported in the published literature (PMID:33073010). It is absent or not present at a significant frequency in gnomAD. In silico models predict that this variant is not damaging. In conclusion, we classify GLA c.548-12T>C as a variant of uncertain significance.

Literature cited by the submitters: PubMed 33073010.

NM_000169.3(GLA):c.548-12T>C

Genes: GLA (galactosidase alpha; minus strand), RPL36A-HNRNPH2 (RPL36A-HNRNPH2 readthrough; plus strand). Cytogenetic location: Xq22.1.
Variant type: single nucleotide variant.
Coding change: c.548-12T>C on transcript NM_000169.3 (MANE Select); 12 bases into the intron before coding-DNA position 548, T replaced by C.
Molecular consequence: intron variant.
Genome position (GRCh38, 1-based): chrX:101,400,769, A>G on the plus strand (T>C on the coding strand, the complement: GLA is on the minus strand). VCF-style: chrX-101400769-A-G. GRCh37 (hg19) VCF-style: chrX-100655757-A-G.
Other names: c.300+5312A>G (NM_001199973.2); c.177+8947A>G (NM_001199974.2); c.671-12T>C (NM_001406747.1); c.548-12T>C (NM_001406748.1).
Identifiers: ClinVar variation 4087112 (VCV004087112.2).